The following is an entry in ClinVar:

ClinVar aggregate classification (germline): Uncertain significance (1 of 4 stars; one submission).

Conditions:
Inborn genetic diseases. Identifiers: MedGen C0950123, MeSH D030342.

Submission:

Ambry Genetics
Classification: Uncertain significance for Inborn genetic diseases. Last evaluated: 2026-02-17. Review status: criteria provided, single submitter. Criteria: Ambry Variant Classification Scheme 2023. Collection method: clinical testing. Allele origin: germline.
Comment: The c.502T>A (p.C168S) alteration is located in exon 3 (coding exon 1) of the KLHL24 gene. This alteration results from a T to A substitution at nucleotide position 502, causing the cysteine (C) at amino acid position 168 to be replaced by a serine (S). Based on data from gnomAD, the A allele has an overall frequency of <0.001% (1/250584) total alleles studied. The highest observed frequency was 0.001% (1/112978) of European (non-Finnish) alleles. Based on insufficient or conflicting evidence, the clinical significance of this alteration remains unclear.

NM_017644.3(KLHL24):c.502T>A (p.Cys168Ser)

Gene: KLHL24 (kelch like family member 24; plus strand). Cytogenetic location: 3q27.1.
Variant type: single nucleotide variant.
Coding change: c.502T>A on transcript NM_017644.3 (MANE Select); coding-DNA position 502, T replaced by A.
Protein change: p.Cys168Ser; replaces cysteine 168 with serine.
Molecular consequence: missense variant. On other transcripts: 5 prime UTR variant (2), non-coding transcript variant (2).
Genome position (GRCh38, 1-based): chr3:183,650,858, T>A. VCF-style: chr3-183650858-T-A. GRCh37 (hg19) VCF-style: chr3-183368646-T-A.
Other names: c.502T>A, p.Cys168Ser (NM_001349413.1, NM_001349414.1, NM_001349415.1 and 11 more transcripts); c.-465T>A (NM_001349428.1, NM_001349429.1); short protein forms C168S.
Identifiers: ClinVar variation 4840068 (VCV004840068.1).